The following is an entry in ClinVar:

NM_022918.4(TMEM135):c.362+6A>C

Gene: TMEM135 (transmembrane protein 135; plus strand). Cytogenetic location: 11q14.2.
Variant type: single nucleotide variant.
Coding change: c.362+6A>C on transcript NM_022918.4 (MANE Select); 6 bases into the intron after coding-DNA position 362, A replaced by C.
Molecular consequence: intron variant.
Genome position (GRCh38, 1-based): chr11:87,071,621, A>C. VCF-style: chr11-87071621-A-C. GRCh37 (hg19) VCF-style: chr11-86782663-A-C.
Other names: c.362+6A>C (NM_001168724.2).
Identifiers: ClinVar variation 3056691 (VCV003056691.2), dbSNP rs75455263, ClinGen allele CA6218727.
Genomic context (GRCh38, chr11:87,071,621, plus strand): 5'-TTGGTGCCGCTCTGCCAGCATCTTATGTGGCCATTCTCATTGAAAGAAAAAGCAGGTAAA[A>C]TTTCATATATTTATTTAACGGAACTGATTACCTGTCCCCTACCCCAACTATAATTTTTTT-3'

ClinVar aggregate classification (germline): Benign (0 of 4 stars; one submission).

Conditions:
TMEM135-related disorder. Also called: TMEM135-related condition.

Allele frequency attached by ClinVar (database versions not stated): gnomAD exomes 0.00618; ExAC 0.01827; gnomAD 0.05680; 1000 Genomes Project 0.06030; 1000 Genomes Project 30x 0.06215; TOPMed 0.06452; ESP Exome Variant Server 0.06502.
gnomAD v4.1: 18,066 of 1,611,004 alleles (1.1%); highest among the groups gnomAD compares: African/African-American, 19%; 1,484 homozygotes.

Submission:

PreventionGenetics, part of Exact Sciences
Classification: Benign for TMEM135-related condition. Last evaluated: 2019-10-22. Review status: no assertion criteria provided. Collection method: clinical testing. Allele origin: germline.
Comment: This variant is classified as benign based on ACMG/AMP sequence variant interpretation guidelines (Richards et al. 2015 PMID: 25741868, with internal and published modifications).